The following is an entry in ClinVar:

ClinVar aggregate classification (germline): Uncertain significance (1 of 4 stars; one submission).

Conditions:
Inborn genetic diseases. Identifiers: MedGen C0950123, MeSH D030342.

Submission:

Ambry Genetics
Classification: Uncertain significance for Inborn genetic diseases. Last evaluated: 2024-12-16. Review status: criteria provided, single submitter. Criteria: Ambry Variant Classification Scheme 2023. Collection method: clinical testing. Allele origin: germline.
Comment: The p.P65S variant (also known as c.193C>T), located in coding exon 1 of the KDM1A gene, results from a C to T substitution at nucleotide position 193. The proline at codon 65 is replaced by serine, an amino acid with similar properties. This amino acid position is conserved. In addition, this alteration is predicted to be tolerated by in silico analysis. Based on the available evidence, the clinical significance of this variant remains unclear.

NM_001009999.3(KDM1A):c.193C>T (p.Pro65Ser)

Gene: KDM1A (lysine demethylase 1A; plus strand). Cytogenetic location: 1p36.12.
Variant type: single nucleotide variant.
Coding change: c.193C>T on transcript NM_001009999.3 (MANE Select); coding-DNA position 193, C replaced by T.
Protein change: p.Pro65Ser; replaces proline 65 with serine.
Molecular consequence: missense variant.
Genome position (GRCh38, 1-based): chr1:23,019,789, C>T. VCF-style: chr1-23019789-C-T. GRCh37 (hg19) VCF-style: chr1-23346282-C-T.
Other names: c.193C>T, p.Pro65Ser (NM_001363654.2, NM_001410762.1, NM_001410763.1 and 1 more transcripts); short protein forms P65S.
Identifiers: ClinVar variation 3863209 (VCV003863209.1).